The following is an entry in ClinVar:

NM_025099.6(CTC1):c.1946-13T>C

Gene: CTC1 (CST telomere replication complex component 1; minus strand). Cytogenetic location: 17p13.1.
Variant type: single nucleotide variant.
Coding change: c.1946-13T>C on transcript NM_025099.6 (MANE Select); 13 bases into the intron before coding-DNA position 1946, T replaced by C.
Molecular consequence: intron variant.
Genome position (GRCh38, 1-based): chr17:8,232,488, A>G on the plus strand (T>C on the coding strand, the complement: CTC1 is on the minus strand). VCF-style: chr17-8232488-A-G. GRCh37 (hg19) VCF-style: chr17-8135806-A-G.
Identifiers: ClinVar variation 2071543 (VCV002071543.2), dbSNP rs1446486762, ClinGen allele CA624731472.

ClinVar aggregate classification (germline): Conflicting classifications of pathogenicity. Review status: criteria provided, conflicting classifications (1 of 4 stars). 2 submissions from 2 submitters: Uncertain significance (1); Likely benign (1). Last evaluated 2024-06-04.

Conditions:
Dyskeratosis congenita. Identifiers: Orphanet 1775, MedGen C0265965, MONDO:0015780.

Allele frequency attached by ClinVar (database versions not stated): TOPMed below 0.00001; gnomAD exomes 0.00001.
gnomAD v4.1: 4 of 1,609,828 alleles (0.00025%); highest among the groups gnomAD compares: Admixed American, 0.0067%; no homozygotes.

Submissions (2):

Blueprint Genetics
Classification: Likely benign. Last evaluated: 2024-06-04. Review status: criteria provided, single submitter. Criteria: ACMG Guidelines, 2015. Collection method: clinical testing. Allele origin: germline.

Labcorp Genetics (formerly Invitae), Labcorp
Classification: Uncertain significance for Dyskeratosis congenita. Last evaluated: 2022-05-14. Review status: criteria provided, single submitter. Criteria: Invitae Variant Classification Sherloc (09022015). Collection method: clinical testing. Allele origin: germline.
Comment: This sequence change falls in intron 11 of the CTC1 gene. It does not directly change the encoded amino acid sequence of the CTC1 protein. This variant is present in population databases (no rsID available, gnomAD 0.003%). This variant has not been reported in the literature in individuals affected with CTC1-related conditions. Algorithms developed to predict the effect of sequence changes on RNA splicing suggest that this variant may create or strengthen a splice site. In summary, the available evidence is currently insufficient to determine the role of this variant in disease. Therefore, it has been classified as a Variant of Uncertain Significance.